The following is an entry in ClinVar:

ClinVar aggregate classification (germline): Uncertain significance. Review status: criteria provided, multiple submitters, no conflicts (2 of 4 stars). 2 submissions from 2 submitters: Uncertain significance (2). Last evaluated 2024-07-25.

Conditions:
Inborn genetic diseases. Identifiers: MedGen C0950123, MeSH D030342.

Allele frequency attached by ClinVar (database versions not stated): gnomAD exomes below 0.00001.
gnomAD v4.1: 5 of 1,611,264 alleles (0.00031%); highest among the groups gnomAD compares: Middle Eastern, 0.017%; no homozygotes.

Submissions (2):

Labcorp Genetics (formerly Invitae), Labcorp
Classification: Uncertain significance. Last evaluated: 2024-07-25. Review status: criteria provided, single submitter. Criteria: Invitae Variant Classification Sherloc (09022015). Collection method: clinical testing. Allele origin: germline.
Comment: This sequence change replaces proline, which is neutral and non-polar, with leucine, which is neutral and non-polar, at codon 3573 of the KMT2A protein (p.Pro3573Leu). This variant is present in population databases (no rsID available, gnomAD 0.0009%). This variant has not been reported in the literature in individuals affected with KMT2A-related conditions. ClinVar contains an entry for this variant (Variation ID: 2067939). Advanced modeling of protein sequence and biophysical properties (such as structural, functional, and spatial information, amino acid conservation, physicochemical variation, residue mobility, and thermodynamic stability) performed at Invitae indicates that this missense variant is not expected to disrupt KMT2A protein function with a negative predictive value of 95%. In summary, the available evidence is currently insufficient to determine the role of this variant in disease. Therefore, it has been classified as a Variant of Uncertain Significance.

Ambry Genetics
Classification: Uncertain significance for Inborn genetic diseases. Last evaluated: 2021-10-29. Review status: criteria provided, single submitter. Criteria: Ambry Variant Classification Scheme 2023. Collection method: clinical testing. Allele origin: germline.

NM_001197104.2(KMT2A):c.10718C>T (p.Pro3573Leu)

Gene: KMT2A (lysine methyltransferase 2A; plus strand). Cytogenetic location: 11q23.3.
Variant type: single nucleotide variant.
Coding change: c.10718C>T on transcript NM_001197104.2 (MANE Select); coding-DNA position 10718, C replaced by T.
Protein change: p.Pro3573Leu; replaces proline 3573 with leucine.
Molecular consequence: missense variant.
Genome position (GRCh38, 1-based): chr11:118,506,610, C>T. VCF-style: chr11-118506610-C-T. GRCh37 (hg19) VCF-style: chr11-118377325-C-T.
Other names: c.10808C>T, p.Pro3603Leu (NM_001412597.1); c.10709C>T, p.Pro3570Leu (NM_005933.4); short protein forms P3573L, P3603L, P3570L.
Identifiers: ClinVar variation 2067939 (VCV002067939.5), dbSNP rs1555048572, ClinGen allele CA382826946.